The following is an entry in ClinVar:

NM_000169.3(GLA):c.428C>T (p.Ala143Val)

Genes: GLA (galactosidase alpha; minus strand), RPL36A-HNRNPH2 (RPL36A-HNRNPH2 readthrough; plus strand). Cytogenetic location: Xq22.1.
Variant type: single nucleotide variant.
Coding change: c.428C>T on transcript NM_000169.3 (MANE Select); coding-DNA position 428, C replaced by T.
Protein change: p.Ala143Val; replaces alanine 143 with valine.
Molecular consequence: missense variant. On other transcripts: non-coding transcript variant (3), intron variant (2).
Genome position (GRCh38, 1-based): chrX:101,401,751, G>A on the plus strand (C>T on the coding strand, the complement: GLA is on the minus strand). VCF-style: chrX-101401751-G-A. GRCh37 (hg19) VCF-style: chrX-100656739-G-A.
Other names: c.551C>T, p.Ala184Val (NM_001406747.1, NM_001406749.1); c.428C>T, p.Ala143Val (NM_001406748.1); c.300+6294G>A (NM_001199973.2); c.177+9929G>A (NM_001199974.2); short protein forms A143V, A184V.
Identifiers: ClinVar variation 4087370 (VCV004087370.2).

ClinVar aggregate classification (germline): Uncertain significance (1 of 4 stars; one submission).

Conditions:
Fabry disease. Also called: ALPHA-GALACTOSIDASE A DEFICIENCY; ANDERSON-FABRY DISEASE; CERAMIDE TRIHEXOSIDASE DEFICIENCY; GLA DEFICIENCY; HEREDITARY DYSTOPIC LIPIDOSIS; Angiokeratoma corporis diffusum. Identifiers: Orphanet 324, MedGen C0002986, MONDO:0010526, OMIM 301500, HP:0001071. Disease mechanism: Fabry disease is due to inactivating mutations in the X-linked GLA gene resulting in deficiency of the enzyme Alpha Galactosidase-A., loss of function.

Submission:

Genomenon, Inc
Classification: Uncertain significance for Fabry disease. Last evaluated: 2026-09-08. Review status: criteria provided, single submitter. Criteria: Genomenon Sequence Variant Interpretation Standards - Updated. Collection method: curation. Allele origin: germline. Affected: no.
Comment: GLA p.Ala143Val (c.428C>T) is a missense variant that changes the amino acid at codon 143 from Alanine to Valine. This variant has been reported in the published literature (PMID:38739391;31956509;33016649). It is absent or not present at a significant frequency in gnomAD. In silico models predict that this variant is possibly or probably damaging. The presence of pathogenic/likely pathogenic missense variant(s) at the same amino acid position indicates that this residue is likely important for protein function. In conclusion, we classify GLA p.Ala143Val (c.428C>T) as a variant of uncertain significance.

Literature cited by the submitters: PubMed 38739391; PubMed 31956509; PubMed 33016649.